The following is an entry in ClinVar:

NM_000088.4(COL1A1):c.3061G>C (p.Glu1021Gln)

Gene: COL1A1 (collagen type I alpha 1 chain; minus strand). Cytogenetic location: 17q21.33.
Variant type: single nucleotide variant.
Coding change: c.3061G>C on transcript NM_000088.4 (MANE Select); coding-DNA position 3061, G replaced by C.
Protein change: p.Glu1021Gln; replaces glutamic acid 1021 with glutamine.
Molecular consequence: missense variant.
Genome position (GRCh38, 1-based): chr17:50,188,780, C>G on the plus strand (G>C on the coding strand, the complement: COL1A1 is on the minus strand). VCF-style: chr17-50188780-C-G. GRCh37 (hg19) VCF-style: chr17-48266141-C-G.
Other names: p.Glu1021Gln; short protein forms E1021Q.
Identifiers: ClinVar variation 526861 (VCV000526861.34), dbSNP rs139593707, ClinGen allele CA8644586.
Genomic context (GRCh38, chr17:50,188,780, plus strand): 5'-TCATGGAGTGTTGCCATCTTACCTTGGCGCCAGGAGAACCGTCTCGTCCAGGGGAACCTT[C>G]GGCACCAGGAGCCCCCTGCAGAGAGAGAGAGAGAGAAGTGAGAGTCAGCCGGGGAAGAGG-3'
Protein context (NP_000079.2, residues 1011-1031): ESGREGAPGA[Glu1021Gln]GSPGRDGSPG

ClinVar aggregate classification (germline): Conflicting classifications of pathogenicity. Review status: criteria provided, conflicting classifications (1 of 4 stars). 11 submissions from 10 submitters: Uncertain significance (6); Likely benign (4). 1 of the submissions does not count toward it. Last evaluated 2026-07-08.

Conditions:
Osteogenesis imperfecta (OI). Identifiers: Orphanet 666, MedGen C0029434, MeSH D010013, MONDO:0019019.
Osteogenesis imperfecta type I (OI1). Also called: OSTEOGENESIS IMPERFECTA WITH BLUE SCLERAE; Osteogenesis imperfecta type 1; Lobstein's Disease; OI, TYPE I; OSTEOGENESIS IMPERFECTA TARDA; Classic Non-deforming Osteogenesis Imperfecta with Blue Sclerae. Identifiers: Orphanet 216796, Orphanet 666, MedGen C0023931, MONDO:0008146, OMIM 166200. Disease mechanism: loss of function.
Ehlers-Danlos syndrome (EDS). Identifiers: Orphanet 98249, MedGen C0013720, MONDO:0020066.
Infantile cortical hyperostosis. Also called: Caffey Disease; P1PK BLOOD GROUP SYSTEM, P(2) PHENOTYPE; Hyperostosis, Cortical, Congenital. Identifiers: Orphanet 1310, MedGen C0020497, MONDO:0007244, OMIM 114000.
Ehlers-Danlos syndrome, arthrochalasia type, 2. Also called: EHLERS-DANLOS SYNDROME, TYPE VIIB, AUTOSOMAL DOMINANT. Identifiers: MedGen CN293783, MONDO:0040501, OMIM 617821.
COL1A1-related disorder. Also called: COL1A1- related disease; COL1A1-related condition.
Cardiovascular phenotype. Identifiers: MedGen CN230736.

Allele frequency attached by ClinVar (database versions not stated): gnomAD 0.00014 and 0.00015; TOPMed 0.00014; ESP Exome Variant Server 0.00015; 1000 Genomes Project 30x 0.00016; ExAC 0.00016; 1000 Genomes Project 0.00020.
gnomAD v4.1: 453 of 1,613,918 alleles (0.028%); highest among the groups gnomAD compares: Non-Finnish European, 0.036%; no homozygotes.

Submissions (11):

GeneDx
Classification: Uncertain significance. Last evaluated: 2026-07-08. Review status: criteria provided, single submitter. Criteria: GeneDx Variant Classification Process June 2021. Collection method: clinical testing. Allele origin: germline.
Comment: Occurs in the triple helical domain at the Y position in the canonical Gly-X-Y repeat; although this variant may have an effect on normal protein folding and function, missense substitution at the Y position is not a common mechanism of disease (HGMD); In silico analysis suggests that this missense variant does not alter protein structure/function; Has not been previously published as pathogenic or benign to our knowledge

Labcorp Genetics (formerly Invitae), Labcorp
Classification: Likely benign for Osteogenesis imperfecta type I. Last evaluated: 2026-01-11. Review status: criteria provided, single submitter. Criteria: Invitae Variant Classification Sherloc (09022015). Collection method: clinical testing. Allele origin: germline.

Mayo Clinic Laboratories, Mayo Clinic
Classification: Uncertain significance. Last evaluated: 2025-11-11. Review status: criteria provided, single submitter. Criteria: ACMG Guidelines, 2015. Collection method: clinical testing. Allele origin: germline. Observed: 2 variant alleles.
Comment: BS1, PP2

Women's Health and Genetics/Laboratory Corporation of America, LabCorp
Classification: Likely benign. Last evaluated: 2025-01-23. Review status: criteria provided, single submitter. Criteria: LabCorp Variant Classification Summary - May 2015. Collection method: clinical testing. Allele origin: germline.
Comment: Variant summary: COL1A1 c.3061G>C (p.Glu1021Gln) results in a conservative amino acid change in the encoded protein sequence. Three of five in-silico tools predict a damaging effect of the variant on protein function. The variant allele was found at a frequency of 0.00018 in 251314 control chromosomes. The observed variant frequency is approximately 6 fold of the estimated maximal expected allele frequency for a pathogenic variant in COL1A1 causing Osteogenesis imperfecta type I phenotype (3e-05). To our knowledge, no occurrence of c.3061G>C in individuals affected with Osteogenesis imperfecta type I and no experimental evidence demonstrating its impact on protein function have been reported. ClinVar contains an entry for this variant (Variation ID: 526861). Based on the evidence outlined above, the variant was classified as likely benign.

Athena Diagnostics
Classification: Likely benign. Last evaluated: 2024-12-17. Review status: criteria provided, single submitter. Criteria: Athena Diagnostics Criteria. Collection method: clinical testing. Allele origin: unknown.
Comment: The frequency of this variant in the general population is higher than would generally be expected for pathogenic variants in this gene.

Ambry Genetics
Classification: Uncertain significance for Cardiovascular phenotype. Last evaluated: 2024-10-18. Review status: criteria provided, single submitter. Criteria: Ambry Variant Classification Scheme 2023. Collection method: clinical testing. Allele origin: germline.
Comment: The p.E1021Q variant (also known as c.3061G>C), located in coding exon 42 of the COL1A1 gene, results from a G to C substitution at nucleotide position 3061. The glutamic acid at codon 1021 is replaced by glutamine, an amino acid with highly similar properties. This amino acid position is not well conserved in available vertebrate species. In addition, the in silico prediction for this alteration is inconclusive. Since supporting evidence is limited at this time, the clinical significance of this alteration remains unclear.

Blueprint Genetics
Classification: Likely benign. Last evaluated: 2024-08-26. Review status: criteria provided, single submitter. Criteria: ACMG Guidelines, 2015. Collection method: clinical testing. Allele origin: germline.

ARUP Laboratories, Molecular Genetics and Genomics, ARUP Laboratories
Classification: Uncertain significance. Last evaluated: 2024-03-27. Review status: criteria provided, single submitter. Criteria: ARUP Molecular Germline Variant Investigation Process 2024. Collection method: clinical testing. Allele origin: germline.
Comment: The COL1A1 c.3061G>C; p.Glu1021Gln variant (rs139593707), to our knowledge, is not reported in the medical literature but is reported in ClinVar (Variation ID: 526861). This variant is found in the general population with an overall allele frequency of 0.02% (51/282622 alleles) in the Genome Aggregation Database (v2.1.1). Computational analyses are uncertain whether this variant is neutral or deleterious (REVEL: 0.487). Due to limited information, the clinical significance of this variant is uncertain at this time.

Genome Diagnostics Laboratory, The Hospital for Sick Children
Classification: Uncertain significance for Ehlers-Danlos syndrome. Last evaluated: 2021-11-16. Review status: criteria provided, single submitter. Criteria: ACMG Guidelines, 2015. Collection method: clinical testing. Allele origin: germline.

Genome Diagnostics Laboratory, The Hospital for Sick Children
Classification: Uncertain significance for Osteogenesis imperfecta. Last evaluated: 2020-02-01. Review status: criteria provided, single submitter. Criteria: ACMG Guidelines, 2015. Collection method: clinical testing. Allele origin: germline.

PreventionGenetics, part of Exact Sciences
Classification: Uncertain significance for COL1A1-related condition. Last evaluated: 2024-08-23. Review status: no assertion criteria provided. Collection method: clinical testing. Allele origin: germline. Not counted in ClinVar's aggregate classification.
Comment: The COL1A1 c.3061G>C variant is predicted to result in the amino acid substitution p.Glu1021Gln. To our knowledge, this variant has not been reported in the literature. This variant is reported in 0.032% of alleles in individuals of European (Non-Finnish) descent in gnomAD, which is more frequent than expected for a disease-causing variant in COL1A1. Although we suspect that this variant may be benign, at this time, the clinical significance of this variant is uncertain due to the absence of conclusive functional and genetic evidence.